The following is an entry in ClinVar:

ClinVar aggregate classification (germline): Pathogenic (1 of 4 stars; one submission).

Submission:

GeneDx
Classification: Pathogenic. Last evaluated: 2016-08-15. Review status: criteria provided, single submitter. Criteria: GeneDx Variant Classification (06012015). Collection method: clinical testing. Allele origin: germline. Affected: yes.
Comment: The R1154G pathogenic variant in the ABCC9 gene has not been reported previously as a pathogenic variant nor as a benign variant, to our knowledge. The R1154G variant was not observed in approximately 6,500 individuals of European and African American ancestry in the NHLBI Exome Sequencing Project, indicating it is not a common benign variant in these populations. The R1154G variant is a non-conservative amino acid substitution, which is likely to impact secondary protein structure as these residues differ in polarity, charge, size and/or other properties. This substitution occurs at a position that is conserved across species. In silico analysis predicts this variant is probably damaging to the protein structure/function. A missense variant in the same residue (R1154Q) has been reported in association with ABCC9-related disorder (Harakalova et al., 2012; van Bon et al., 2012; Czeschik et al., 2013), supporting the functional importance of this residue. We interpret R1154G as a pathogenic variant.

NM_020297.4(ABCC9):c.3460C>G (p.Arg1154Gly)

Gene: ABCC9 (ATP binding cassette subfamily C member 9; minus strand). Cytogenetic location: 12p12.1.
Variant type: single nucleotide variant.
Coding change: c.3460C>G on transcript NM_020297.4 (MANE Select); coding-DNA position 3460, C replaced by G.
Protein change: p.Arg1154Gly; replaces arginine 1154 with glycine.
Molecular consequence: missense variant.
Genome position (GRCh38, 1-based): chr12:21,842,327, G>C on the plus strand (C>G on the coding strand, the complement: ABCC9 is on the minus strand). VCF-style: chr12-21842327-G-C. GRCh37 (hg19) VCF-style: chr12-21995261-G-C.
Other names: c.3460C>G, p.Arg1154Gly (NM_001377273.1, NM_005691.4); c.2593C>G, p.Arg865Gly (NM_001377274.1); short protein forms R1154G, R865G.
Identifiers: ClinVar variation 265666 (VCV000265666.2), dbSNP rs387907208, ClinGen allele CA10588545.